The following is an entry in ClinVar:

ClinVar aggregate classification (germline): Uncertain significance (1 of 4 stars; one submission).

Conditions:
Early-infantile DEE. Also called: Early infantile epileptic encephalopathy; Ohtahara syndrome; Early infantile epileptic encephalopathy with suppression bursts. Identifiers: Orphanet 1934, MedGen C0393706, MONDO:0800491.

Submission:

Labcorp Genetics (formerly Invitae), Labcorp
Classification: Uncertain significance for Early-infantile DEE. Last evaluated: 2021-02-22. Review status: criteria provided, single submitter. Criteria: Invitae Variant Classification Sherloc (09022015). Collection method: clinical testing. Allele origin: germline.
Comment: This sequence change replaces threonine with isoleucine at codon 1372 of the SPTAN1 protein (p.Thr1372Ile). The threonine residue is highly conserved and there is a moderate physicochemical difference between threonine and isoleucine. This variant is not present in population databases (ExAC no frequency). This variant has not been reported in the literature in individuals with SPTAN1-related conditions. Algorithms developed to predict the effect of missense changes on protein structure and function (SIFT, PolyPhen-2, Align-GVGD) all suggest that this variant is likely to be disruptive, but these predictions have not been confirmed by published functional studies and their clinical significance is uncertain. In summary, the available evidence is currently insufficient to determine the role of this variant in disease. Therefore, it has been classified as a Variant of Uncertain Significance.

NM_001130438.3(SPTAN1):c.4115C>T (p.Thr1372Ile)

Gene: SPTAN1 (spectrin alpha, non-erythrocytic 1; plus strand). Cytogenetic location: 9q34.11.
Variant type: single nucleotide variant.
Coding change: c.4115C>T on transcript NM_001130438.3 (MANE Select); coding-DNA position 4115, C replaced by T.
Protein change: p.Thr1372Ile; replaces threonine 1372 with isoleucine.
Molecular consequence: missense variant.
Genome position (GRCh38, 1-based): chr9:128,607,672, C>T. VCF-style: chr9-128607672-C-T. GRCh37 (hg19) VCF-style: chr9-131369951-C-T.
Other names: c.4055C>T, p.Thr1352Ile (NM_001195532.2, NM_001363765.2, NM_001375314.2); c.4115C>T, p.Thr1372Ile (NM_001363759.2, NM_001375310.1, NM_001375311.2 and 2 more transcripts); c.4151C>T, p.Thr1384Ile (NM_001375312.2, NM_001375318.1); short protein forms T1384I, T1352I, T1372I.
Identifiers: ClinVar variation 1512722 (VCV001512722.9), dbSNP rs2131613513, ClinGen allele CA375065933.
Genomic context (GRCh38, chr9:128,607,672, plus strand): 5'-TGTCTTGGATCAATGGAATACGGGGGTTGGTGTCCTCAGATGAGCTAGCCAAGGATGTCA[C>T]CGGAGCTGAGGCATTGCTGGAGCGACACCAGGTGGGTGGACCTGCCTGCTGAGTAGCAAA-3'
Protein context (NP_001123910.1, residues 1362-1382): VSSDELAKDV[Thr1372Ile]GAEALLERHQ